The following is an entry in ClinVar:

NM_001130144.3(LTBP3):c.127G>A (p.Gly43Arg)

Gene: LTBP3 (latent transforming growth factor beta binding protein 3; minus strand). Cytogenetic location: 11q13.1.
Variant type: single nucleotide variant.
Coding change: c.127G>A on transcript NM_001130144.3 (MANE Select); coding-DNA position 127, G replaced by A.
Protein change: p.Gly43Arg; replaces glycine 43 with arginine.
Molecular consequence: missense variant. On other transcripts: 5 prime UTR variant (1).
Genome position (GRCh38, 1-based): chr11:65,557,833, C>T on the plus strand (G>A on the coding strand, the complement: LTBP3 is on the minus strand). VCF-style: chr11-65557833-C-T. GRCh37 (hg19) VCF-style: chr11-65325304-C-T.
Other names: p.Gly43Arg; c.-221G>A (NM_001164266.1); c.127G>A, p.Gly43Arg (NM_021070.4); short protein forms G43R.
Identifiers: ClinVar variation 1767558 (VCV001767558.9), dbSNP rs1481532475, ClinGen allele CA381278526.

ClinVar aggregate classification (germline): Uncertain significance. Review status: criteria provided, multiple submitters, no conflicts (2 of 4 stars). 3 submissions from 3 submitters: Uncertain significance (3). Last evaluated 2025-12-21.

Conditions:
Inborn genetic diseases. Identifiers: MedGen C0950123, MeSH D030342.
Brachyolmia-amelogenesis imperfecta syndrome. Also called: Tooth agenesis, selective, 6; Dental anomalies and short stature; PLATYSPONDYLY WITH AMELOGENESIS IMPERFECTA. Identifiers: Orphanet 2899, MedGen C1832594, MONDO:0011018, OMIM 601216. Disease mechanism: loss of function.

Submissions (3):

Labcorp Genetics (formerly Invitae), Labcorp
Classification: Uncertain significance for Brachyolmia-amelogenesis imperfecta syndrome. Last evaluated: 2025-12-21. Review status: criteria provided, single submitter. Criteria: Invitae Variant Classification Sherloc (09022015). Collection method: clinical testing. Allele origin: germline.
Comment: This sequence change replaces glycine, which is neutral and non-polar, with arginine, which is basic and polar, at codon 43 of the LTBP3 protein (p.Gly43Arg). The frequency data for this variant in the population databases is considered unreliable, as metrics indicate poor data quality at this position in the gnomAD database. This variant has not been reported in the literature in individuals affected with LTBP3-related conditions. ClinVar contains an entry for this variant (Variation ID: 1767558). Experimental studies and prediction algorithms are not available or were not evaluated, and the functional significance of this variant is currently unknown. In summary, the available evidence is currently insufficient to determine the role of this variant in disease. Therefore, it has been classified as a Variant of Uncertain Significance.

Ambry Genetics
Classification: Uncertain significance for Inborn genetic diseases. Last evaluated: 2024-11-17. Review status: criteria provided, single submitter. Criteria: Ambry Variant Classification Scheme 2023. Collection method: clinical testing. Allele origin: germline.
Comment: The p.G43R variant (also known as c.127G>A), located in coding exon 1 of the LTBP3 gene, results from a G to A substitution at nucleotide position 127. The glycine at codon 43 is replaced by arginine, an amino acid with dissimilar properties. This amino acid position is conserved. In addition, the in silico prediction for this alteration is inconclusive. Since supporting evidence is limited at this time, the clinical significance of this alteration remains unclear.

Mayo Clinic Laboratories, Mayo Clinic
Classification: Uncertain significance. Last evaluated: 2024-03-12. Review status: criteria provided, single submitter. Criteria: ACMG Guidelines, 2015. Collection method: clinical testing. Allele origin: germline. Observed: 1 variant allele.